The following is an entry in ClinVar:

ClinVar aggregate classification (germline): Uncertain significance. Review status: criteria provided, multiple submitters, no conflicts (2 of 4 stars). 2 submissions from 2 submitters: Uncertain significance (2). Last evaluated 2026-05-14.

Conditions:
Dilated cardiomyopathy 1J (CMD1J). Also called: CARDIOMYOPATHY, DILATED, WITH SENSORINEURAL HEARING LOSS, AUTOSOMAL DOMINANT. Identifiers: Orphanet 217622, MedGen C1854368, MONDO:0011541, OMIM 605362.

Submissions (2):

GeneDx
Classification: Uncertain significance. Last evaluated: 2026-05-14. Review status: criteria provided, single submitter. Criteria: GeneDx Variant Classification Process June 2021. Collection method: clinical testing. Allele origin: germline.
Comment: Not observed at significant frequency in large population cohorts (gnomAD); In silico analysis supports that this missense variant has a deleterious effect on protein structure/function; Has not been previously published as pathogenic or benign to our knowledge

Labcorp Genetics (formerly Invitae), Labcorp
Classification: Uncertain significance for Dilated cardiomyopathy 1J. Last evaluated: 2025-10-23. Review status: criteria provided, single submitter. Criteria: Invitae Variant Classification Sherloc (09022015). Collection method: clinical testing. Allele origin: germline.
Comment: This sequence change replaces arginine, which is basic and polar, with threonine, which is neutral and polar, at codon 472 of the EYA4 protein (p.Arg472Thr). This variant is not present in population databases (gnomAD no frequency). This variant has not been reported in the literature in individuals affected with EYA4-related conditions. ClinVar contains an entry for this variant (Variation ID: 3364347). Invitae Evidence Modeling of protein sequence and biophysical properties (such as structural, functional, and spatial information, amino acid conservation, physicochemical variation, residue mobility, and thermodynamic stability) indicates that this missense variant is not expected to disrupt EYA4 protein function with a negative predictive value of 80%. In summary, the available evidence is currently insufficient to determine the role of this variant in disease. Therefore, it has been classified as a Variant of Uncertain Significance.

NM_004100.5(EYA4):c.1415G>C (p.Arg472Thr)

Genes: EYA4 (EYA transcriptional coactivator and phosphatase 4; plus strand), TARID (TCF21 antisense RNA inducing promoter demethylation; minus strand). Cytogenetic location: 6q23.2.
Variant type: single nucleotide variant.
Coding change: c.1415G>C on transcript NM_004100.5 (MANE Select); coding-DNA position 1415, G replaced by C.
Protein change: p.Arg472Thr; replaces arginine 472 with threonine.
Molecular consequence: missense variant.
Genome position (GRCh38, 1-based): chr6:133,512,952, G>C. VCF-style: chr6-133512952-G-C. GRCh37 (hg19) VCF-style: chr6-133834090-G-C.
Other names: c.1253G>C, p.Arg418Thr (NM_001301012.2); c.1433G>C, p.Arg478Thr (NM_001301013.2); c.1346G>C, p.Arg449Thr (NM_001370458.1, NM_172103.4); c.1271G>C, p.Arg424Thr (NM_001370459.1); c.1415G>C, p.Arg472Thr (NM_172105.4); short protein forms R418T, R424T, R449T, R472T, R478T.
Identifiers: ClinVar variation 3364347 (VCV003364347.4).